The following is an entry in ClinVar:

NM_001267550.2(TTN):c.45582G>A (p.Gly15194=)

Genes: TTN (titin; minus strand), LOC126806427 (BRD4-independent group 4 enhancer GRCh37_chr2:179485777-179486976; plus strand). Cytogenetic location: 2q31.2.
Variant type: single nucleotide variant.
Coding change: c.45582G>A on transcript NM_001267550.2 (MANE Select); coding-DNA position 45582, G replaced by A.
Protein change: p.Gly15194=; no amino-acid change (glycine 15194 retained).
Molecular consequence: synonymous variant.
Genome position (GRCh38, 1-based): chr2:178,621,136, C>T on the plus strand (G>A on the coding strand, the complement: TTN is on the minus strand). VCF-style: chr2-178621136-C-T. GRCh37 (hg19) VCF-style: chr2-179485863-C-T.
Other names: c.40659G>A, p.Gly13553= (NM_001256850.1); c.18387G>A, p.Gly6129= (NM_003319.4); c.37878G>A, p.Gly12626= (NM_133378.4); c.18762G>A, p.Gly6254= (NM_133432.3); c.18963G>A, p.Gly6321= (NM_133437.4).
Identifiers: ClinVar variation 758893 (VCV000758893.40), dbSNP rs1576555318, ClinGen allele CA430276085.

ClinVar aggregate classification (germline): Likely benign. Review status: criteria provided, multiple submitters, no conflicts (2 of 4 stars). 3 submissions from 3 submitters: Likely benign (3). Last evaluated 2022-07-01.

Conditions:
Dilated cardiomyopathy 1G (CMD1G). Identifiers: Orphanet 154, MedGen C1858763, MONDO:0011400, OMIM 604145.
Autosomal recessive limb-girdle muscular dystrophy type 2J (LGMDR10). Also called: MUSCULAR DYSTROPHY, LIMB-GIRDLE, AUTOSOMAL RECESSIVE 10; Limb-girdle muscular dystrophy, type 2J. Identifiers: Orphanet 140922, MedGen C1837342, MONDO:0012127, OMIM 608807.
Cardiovascular phenotype. Identifiers: MedGen CN230736.

Allele frequency attached by ClinVar (database versions not stated): gnomAD exomes below 0.00001; gnomAD 0.00001.
gnomAD v4.1: 2 of 1,612,394 alleles (0.00012%); highest among the groups gnomAD compares: African/African-American, 0.0027%; no homozygotes.

Submissions (3):

CeGaT Center for Human Genetics Tuebingen
Classification: Likely benign. Last evaluated: 2022-07-01. Review status: criteria provided, single submitter. Criteria: CeGaT Center For Human Genetics Tuebingen Variant Classification Criteria Version 2. Collection method: clinical testing. Allele origin: germline. Affected: yes. Observed: 2 variant alleles.
Comment: TTN: BP4, BP7

Labcorp Genetics (formerly Invitae), Labcorp
Classification: Likely benign for Dilated cardiomyopathy 1G; Autosomal recessive limb-girdle muscular dystrophy type 2J. Last evaluated: 2022-05-13. Review status: criteria provided, single submitter. Criteria: Invitae Variant Classification Sherloc (09022015). Collection method: clinical testing. Allele origin: germline.

Ambry Genetics
Classification: Likely benign for Cardiovascular phenotype. Last evaluated: 2020-04-28. Review status: criteria provided, single submitter. Criteria: Ambry Variant Classification Scheme 2023. Collection method: clinical testing. Allele origin: germline.